The following is an entry in ClinVar:

NM_004970.3(IGFALS):c.1425G>A (p.Ala475=)

Gene: IGFALS (insulin like growth factor binding protein acid labile subunit; minus strand). Cytogenetic location: 16p13.3.
Variant type: single nucleotide variant.
Coding change: c.1425G>A on transcript NM_004970.3 (MANE Select); coding-DNA position 1425, G replaced by A.
Protein change: p.Ala475=; no amino-acid change (alanine 475 retained).
Molecular consequence: synonymous variant. On other transcripts: non-coding transcript variant (1).
Genome position (GRCh38, 1-based): chr16:1,790,993, C>T on the plus strand (G>A on the coding strand, the complement: IGFALS is on the minus strand). VCF-style: chr16-1790993-C-T. GRCh37 (hg19) VCF-style: chr16-1840994-C-T.
Other names: c.1539G>A, p.Ala513= (NM_001146006.2).
Identifiers: ClinVar variation 318239 (VCV000318239.12), dbSNP rs9282729, ClinGen allele CA7820308.

ClinVar aggregate classification (germline): Benign. Review status: criteria provided, multiple submitters, no conflicts (2 of 4 stars). 4 submissions from 4 submitters: Benign (3). 1 of the submissions does not count toward it. Last evaluated 2026-05-11.

Conditions:
Short stature due to primary acid-labile subunit deficiency. Also called: Acid-labile subunit deficiency; Acid-labile subunit, deficiency of. Identifiers: Orphanet 140941, MedGen C3900122, MONDO:0014420, OMIM 615961.
IGFALS-related disorder. Also called: IGFALS-related condition.

Allele frequency attached by ClinVar (database versions not stated): 1000 Genomes Project 0.00919; gnomAD 0.00143 and 0.00191; TOPMed 0.00229; ESP Exome Variant Server 0.00016; gnomAD exomes 0.00146 and 0.00481; ExAC 0.00534; 1000 Genomes Project 30x 0.01015.

Submissions (4):

Women's Health and Genetics/Laboratory Corporation of America, LabCorp
Classification: Benign. Last evaluated: 2026-05-11. Review status: criteria provided, single submitter. Criteria: LabCorp Variant Classification Summary - May 2015. Collection method: clinical testing. Allele origin: germline.

Labcorp Genetics (formerly Invitae), Labcorp
Classification: Benign. Last evaluated: 2019-12-31. Review status: criteria provided, single submitter. Criteria: Invitae Variant Classification Sherloc (09022015). Collection method: clinical testing. Allele origin: germline.

Illumina Laboratory Services, Illumina
Classification: Benign for Short stature due to primary acid-labile subunit deficiency. Last evaluated: 2018-01-12. Review status: criteria provided, single submitter. Criteria: ICSL Variant Classification Criteria 13 December 2019. Collection method: clinical testing. Allele origin: germline.
Comment: This variant was observed in the ICSL laboratory as part of a predisposition screen in an ostensibly healthy population. It had not been previously curated by ICSL or reported in the Human Gene Mutation Database (HGMD: prior to June 1st, 2018), and was therefore a candidate for classification through an automated scoring system. Utilizing variant allele frequency, disease prevalence and penetrance estimates, and inheritance mode, an automated score was calculated to assess if this variant is too frequent to cause the disease. Based on the score and internal cut-off values, a variant classified as benign is not then subjected to further curation. The score for this variant resulted in a classification of benign for this disease.

PreventionGenetics, part of Exact Sciences
Classification: Likely benign for IGFALS-related condition. Last evaluated: 2024-09-10. Review status: no assertion criteria provided. Collection method: clinical testing. Allele origin: germline. Not counted in ClinVar's aggregate classification.
Comment: This variant is classified as likely benign based on ACMG/AMP sequence variant interpretation guidelines (Richards et al. 2015 PMID: 25741868, with internal and published modifications).